The following is an entry in ClinVar:

NM_005732.4(RAD50):c.213+203T>C

Gene: RAD50 (RAD50 double strand break repair protein; plus strand). Cytogenetic location: 5q31.1.
Variant type: single nucleotide variant.
Coding change: c.213+203T>C on transcript NM_005732.4 (MANE Select); 203 bases into the intron after coding-DNA position 213, T replaced by C.
Molecular consequence: intron variant.
Genome position (GRCh38, 1-based): chr5:132,559,570, T>C. VCF-style: chr5-132559570-T-C. GRCh37 (hg19) VCF-style: chr5-131895262-T-C.
Identifiers: ClinVar variation 1804609 (VCV001804609.1), dbSNP rs77099043, ClinGen allele CA127256097.

ClinVar aggregate classification (germline): Likely benign (1 of 4 stars; one submission).

Allele frequency attached by ClinVar (database versions not stated): 1000 Genomes Project 30x 0.00281; 1000 Genomes Project 0.00300; gnomAD 0.00372; TOPMed 0.00405.
gnomAD v4.1: 561 of 152,338 alleles (0.37%); highest among the groups gnomAD compares: African/African-American, 1.3%; 2 homozygotes.

Submission:

GeneDx
Classification: Likely benign. Last evaluated: 2018-06-23. Review status: criteria provided, single submitter. Criteria: GeneDx Variant Classification Process June 2021. Collection method: clinical testing. Allele origin: germline. Affected: yes.
Comment: See Variant Classification Assertion Criteria.